The following is an entry in ClinVar:

ClinVar aggregate classification (germline): Benign (0 of 4 stars; one submission).

Conditions:
NUP188-related disorder. Also called: NUP188-related condition.

Allele frequency attached by ClinVar (database versions not stated): 1000 Genomes Project 30x 0.00468; 1000 Genomes Project 0.00479; ESP Exome Variant Server 0.01146.
gnomAD v4.1: 21,052 of 1,612,982 alleles (1.3%); highest among the groups gnomAD compares: Non-Finnish European, 1.5%; 178 homozygotes.

Submission:

PreventionGenetics, part of Exact Sciences
Classification: Benign for NUP188-related condition. Last evaluated: 2019-02-19. Review status: no assertion criteria provided. Collection method: clinical testing. Allele origin: germline.
Comment: This variant is classified as benign based on ACMG/AMP sequence variant interpretation guidelines (Richards et al. 2015 PMID: 25741868, with internal and published modifications).

NM_015354.3(NUP188):c.5079G>A (p.Thr1693=)

Gene: NUP188 (nucleoporin 188; plus strand). Cytogenetic location: 9q34.11.
Variant type: single nucleotide variant.
Coding change: c.5079G>A on transcript NM_015354.3 (MANE Select); coding-DNA position 5079, G replaced by A.
Protein change: p.Thr1693=; no amino-acid change (threonine 1693 retained).
Molecular consequence: synonymous variant.
Genome position (GRCh38, 1-based): chr9:129,006,507, G>A. VCF-style: chr9-129006507-G-A. GRCh37 (hg19) VCF-style: chr9-131768786-G-A.
Identifiers: ClinVar variation 3037146 (VCV003037146.2), dbSNP rs150379581, ClinGen allele CA5273579.